The following is an entry in ClinVar:

ClinVar aggregate classification (germline): Uncertain significance (1 of 4 stars; one submission).

Conditions:
Xanthinuria type II. Also called: Xanthine dehydrogenase and aldehyde oxidase combined deficiency of; XDH and AOX dual deficiency. Identifiers: Orphanet 3467, Orphanet 93602, MedGen C1863688, MONDO:0011346, OMIM 603592.

gnomAD v4.1: 2 of 1,575,666 alleles (0.00013%); highest among the groups gnomAD compares: Middle Eastern, 0.017%; no homozygotes.

Submission:

Labcorp Genetics (formerly Invitae), Labcorp
Classification: Uncertain significance for Xanthinuria type II. Last evaluated: 2022-06-30. Review status: criteria provided, single submitter. Criteria: Invitae Variant Classification Sherloc (09022015). Collection method: clinical testing. Allele origin: germline.
Comment: This variant has not been reported in the literature in individuals affected with XDH-related conditions. This variant is not present in population databases (gnomAD no frequency). This sequence change replaces asparagine, which is neutral and polar, with lysine, which is basic and polar, at codon 1174 of the XDH protein (p.Asn1174Lys). In summary, the available evidence is currently insufficient to determine the role of this variant in disease. Therefore, it has been classified as a Variant of Uncertain Significance. Algorithms developed to predict the effect of missense changes on protein structure and function are either unavailable or do not agree on the potential impact of this missense change (SIFT: "Tolerated"; PolyPhen-2: "Possibly Damaging"; Align-GVGD: "Class C0").

NM_000379.4(XDH):c.3522C>A (p.Asn1174Lys)

Gene: XDH (xanthine dehydrogenase; minus strand). Cytogenetic location: 2p23.1.
Variant type: single nucleotide variant.
Coding change: c.3522C>A on transcript NM_000379.4 (MANE Select); coding-DNA position 3522, C replaced by A.
Protein change: p.Asn1174Lys; replaces asparagine 1174 with lysine.
Molecular consequence: missense variant.
Genome position (GRCh38, 1-based): chr2:31,341,392, G>T on the plus strand (C>A on the coding strand, the complement: XDH is on the minus strand). VCF-style: chr2-31341392-G-T. GRCh37 (hg19) VCF-style: chr2-31564258-G-T.
Other names: short protein forms N1174K.
Identifiers: ClinVar variation 2051933 (VCV002051933.4), dbSNP rs2465301325, ClinGen allele CA346495883.
Genomic context (GRCh38, chr2:31,341,392, plus strand): 5'-TCCAATATCAATGGCAGGGTTTAGACTGGAGCCAACATCCATGACAATATCTGTGCGGAG[G>T]TTCTAGAGTAGACAGCAAAATTACAAGAAGTTAGAGGAGGAAAAGATGTTTGGAATATGA-3'
Protein context (NP_000370.2, residues 1164-1184): EIDCLTGDHK[Asn1174Lys]LRTDIVMDVG